The following is an entry in ClinVar:

ClinVar aggregate classification (germline): Uncertain significance (1 of 4 stars; one submission).

Conditions:
Cardiovascular phenotype. Identifiers: MedGen CN230736.

Submission:

Ambry Genetics
Classification: Uncertain significance for Cardiovascular phenotype. Last evaluated: 2016-09-23. Review status: criteria provided, single submitter. Criteria: Ambry Variant Classification Scheme 2023. Collection method: clinical testing. Allele origin: germline.
Comment: The p.E23941Q variant (also known as c.71821G>C), located in coding exon 181 of the TTN gene, results from a G to C substitution at nucleotide position 71821, and is located in the A-band region of the N2-B isoform of the titin protein. The glutamic acid at codon 23941 is replaced by glutamine, an amino acid with highly similar properties. This variant was not reported in population based cohorts in the following databases: Database of Single Nucleotide Polymorphisms (dbSNP), NHLBI Exome Sequencing Project (ESP), and 1000 Genomes Project. In the ESP, this variant was not observed in 5988 samples (11976 alleles) with coverage at this position. This amino acid position is not well conserved in available vertebrate species, and glutamine is the reference amino acid in other vertebrate species. In addition, this alteration is predicted to be tolerated by in silico analysis. Since supporting evidence is limited at this time, the clinical significance of this variant remains unclear.

NM_001267550.2(TTN):c.99016G>C (p.Glu33006Gln)

Genes: TTN (titin; minus strand), TTN-AS1 (TTN antisense RNA 1; plus strand). Cytogenetic location: 2q31.2.
Variant type: single nucleotide variant.
Coding change: c.99016G>C on transcript NM_001267550.2 (MANE Select); coding-DNA position 99016, G replaced by C.
Protein change: p.Glu33006Gln; replaces glutamic acid 33006 with glutamine.
Molecular consequence: missense variant. On other transcripts: non-coding transcript variant (1).
Genome position (GRCh38, 1-based): chr2:178,538,813, C>G on the plus strand (G>C on the coding strand, the complement: TTN is on the minus strand). VCF-style: chr2-178538813-C-G. GRCh37 (hg19) VCF-style: chr2-179403540-C-G.
Other names: c.94093G>C, p.Glu31365Gln (NM_001256850.1); c.71821G>C, p.Glu23941Gln (NM_003319.4); c.91312G>C, p.Glu30438Gln (NM_133378.4); c.72196G>C, p.Glu24066Gln (NM_133432.3); c.72397G>C, p.Glu24133Gln (NM_133437.4); short protein forms E23941Q, E33006Q, E24066Q, E30438Q, E24133Q, E31365Q.
Identifiers: ClinVar variation 518945 (VCV000518945.5), dbSNP rs201931674, ClinGen allele CA349431139.